The following is an entry in ClinVar:

NM_001372.4(DNAH9):c.10096G>A (p.Val3366Met)

Gene: DNAH9 (dynein axonemal heavy chain 9; plus strand). Cytogenetic location: 17p12.
Variant type: single nucleotide variant.
Coding change: c.10096G>A on transcript NM_001372.4 (MANE Select); coding-DNA position 10096, G replaced by A.
Protein change: p.Val3366Met; replaces valine 3366 with methionine.
Molecular consequence: missense variant.
Genome position (GRCh38, 1-based): chr17:11,871,640, G>A. VCF-style: chr17-11871640-G-A. GRCh37 (hg19) VCF-style: chr17-11774957-G-A.
Other names: c.10096G>A (NM_001372.3); short protein forms V3366M.
Identifiers: ClinVar variation 2146604 (VCV002146604.4), dbSNP rs1003074223, ClinGen allele CA288003455.

ClinVar aggregate classification (germline): Uncertain significance. Review status: criteria provided, multiple submitters, no conflicts (2 of 4 stars). 2 submissions from 2 submitters: Uncertain significance (2). Last evaluated 2024-02-26.

Conditions:
Inborn genetic diseases. Identifiers: MedGen C0950123, MeSH D030342.

Allele frequency attached by ClinVar (database versions not stated): gnomAD 0.00002; TOPMed 0.00002; gnomAD exomes 0.00003.
gnomAD v4.1: 41 of 1,614,108 alleles (0.0025%); highest among the groups gnomAD compares: East Asian, 0.025%; no homozygotes.

Submissions (2):

Ambry Genetics
Classification: Uncertain significance for Inborn genetic diseases. Last evaluated: 2024-02-26. Review status: criteria provided, single submitter. Criteria: Ambry Variant Classification Scheme 2023. Collection method: clinical testing. Allele origin: germline.

Labcorp Genetics (formerly Invitae), Labcorp
Classification: Uncertain significance. Last evaluated: 2022-03-04. Review status: criteria provided, single submitter. Criteria: Invitae Variant Classification Sherloc (09022015). Collection method: clinical testing. Allele origin: germline.
Comment: This variant has not been reported in the literature in individuals affected with DNAH9-related conditions. In summary, the available evidence is currently insufficient to determine the role of this variant in disease. Therefore, it has been classified as a Variant of Uncertain Significance. Algorithms developed to predict the effect of missense changes on protein structure and function are either unavailable or do not agree on the potential impact of this missense change (SIFT: "Deleterious"; PolyPhen-2: "Probably Damaging"; Align-GVGD: "Class C0"). This variant is present in population databases (no rsID available, gnomAD 0.003%). This sequence change replaces valine, which is neutral and non-polar, with methionine, which is neutral and non-polar, at codon 3366 of the DNAH9 protein (p.Val3366Met).